The following is an entry in ClinVar:

NM_001330.5(CTF1):c.314G>A (p.Cys105Tyr)

Genes: CTF1 (cardiotrophin 1; plus strand), LOC130058878 (ATAC-STARR-seq lymphoblastoid silent region 7400; plus strand). Cytogenetic location: 16p11.2.
Variant type: single nucleotide variant.
Coding change: c.314G>A on transcript NM_001330.5 (MANE Select); coding-DNA position 314, G replaced by A.
Protein change: p.Cys105Tyr; replaces cysteine 105 with tyrosine.
Molecular consequence: missense variant. On other transcripts: non-coding transcript variant (1).
Genome position (GRCh38, 1-based): chr16:30,902,247, G>A. VCF-style: chr16-30902247-G-A. GRCh37 (hg19) VCF-style: chr16-30913568-G-A.
Other names: c.311G>A, p.Cys104Tyr (NM_001142544.3); short protein forms C104Y, C105Y.
Identifiers: ClinVar variation 1051014 (VCV001051014.9), dbSNP rs1324790071, ClinGen allele CA395618803.

ClinVar aggregate classification (germline): Uncertain significance (1 of 4 stars; one submission).

Allele frequency attached by ClinVar (database versions not stated): gnomAD 0.00001.

Submission:

Labcorp Genetics (formerly Invitae), Labcorp
Classification: Uncertain significance. Last evaluated: 2020-08-23. Review status: criteria provided, single submitter. Criteria: Invitae Variant Classification Sherloc (09022015). Collection method: clinical testing. Allele origin: germline.
Comment: In summary, the available evidence is currently insufficient to determine the role of this variant in disease. Therefore, it has been classified as a Variant of Uncertain Significance. Algorithms developed to predict the effect of missense changes on protein structure and function are either unavailable or do not agree on the potential impact of this missense change (SIFT: "Deleterious"; PolyPhen-2: "Benign"; Align-GVGD: "Class C0"). This variant has not been reported in the literature in individuals with CTF1-related conditions. The frequency data for this variant in the population databases is considered unreliable, as metrics indicate insufficient coverage at this position in the ExAC database. This sequence change replaces cysteine with tyrosine at codon 105 of the CTF1 protein (p.Cys105Tyr). The cysteine residue is weakly conserved and there is a large physicochemical difference between cysteine and tyrosine.